The following is an entry in ClinVar:

ClinVar aggregate classification (germline): Uncertain significance (1 of 4 stars; one submission).

Submission:

Labcorp Genetics (formerly Invitae), Labcorp
Classification: Uncertain significance. Last evaluated: 2025-06-15. Review status: criteria provided, single submitter. Criteria: Invitae Variant Classification Sherloc (09022015). Collection method: clinical testing. Allele origin: germline.
Comment: This sequence change replaces glycine, which is neutral and non-polar, with valine, which is neutral and non-polar, at codon 1272 of the COL11A1 protein (p.Gly1272Val). This variant is not present in population databases (gnomAD no frequency). This variant has not been reported in the literature in individuals affected with COL11A1-related conditions. Experimental studies and prediction algorithms are not available or were not evaluated, and the functional significance of this variant is currently unknown. In summary, the available evidence is currently insufficient to determine the role of this variant in disease. Therefore, it has been classified as a Variant of Uncertain Significance.

NM_001854.4(COL11A1):c.3815G>T (p.Gly1272Val)

Gene: COL11A1 (collagen type XI alpha 1 chain; minus strand). Cytogenetic location: 1p21.1.
Variant type: single nucleotide variant.
Coding change: c.3815G>T on transcript NM_001854.4 (MANE Select); coding-DNA position 3815, G replaced by T.
Protein change: p.Gly1272Val; replaces glycine 1272 with valine.
Molecular consequence: missense variant. On other transcripts: non-coding transcript variant (1).
Genome position (GRCh38, 1-based): chr1:102,915,632, C>A on the plus strand (G>T on the coding strand, the complement: COL11A1 is on the minus strand). VCF-style: chr1-102915632-C-A. GRCh37 (hg19) VCF-style: chr1-103381188-C-A.
Other names: c.3698G>T, p.Gly1233Val (NM_001190709.2); c.3851G>T, p.Gly1284Val (NM_080629.3); c.3467G>T, p.Gly1156Val (NM_080630.4); short protein forms G1233V, G1272V, G1284V, G1156V.
Identifiers: ClinVar variation 4721058 (VCV004721058.1).